The following is an entry in ClinVar:

NM_000548.5(TSC2):c.2840T>C (p.Leu947Pro)

Gene: TSC2 (TSC complex subunit 2; plus strand). Cytogenetic location: 16p13.3.
Variant type: single nucleotide variant.
Coding change: c.2840T>C on transcript NM_000548.5 (MANE Select); coding-DNA position 2840, T replaced by C.
Protein change: p.Leu947Pro; replaces leucine 947 with proline.
Molecular consequence: missense variant. On other transcripts: intron variant (9).
Genome position (GRCh38, 1-based): chr16:2,077,600, T>C. VCF-style: chr16-2077600-T-C. GRCh37 (hg19) VCF-style: chr16-2127601-T-C.
Other names: c.2840T>C, p.Leu947Pro (NM_001114382.3); c.2837+1015T>C (NM_021055.3, NM_001370405.1, NM_001363528.2 and 2 more transcripts); c.2726+1015T>C (NM_001318827.2); c.2237+1015T>C (NM_001318831.2); c.2690+1015T>C (NM_001318829.2); c.2870+1015T>C (NM_001318832.2); short protein forms L947P.
Identifiers: ClinVar variation 467974 (VCV000467974.16), dbSNP rs1555509447, ClinGen allele CA394280733.

ClinVar aggregate classification (germline): Uncertain significance. Review status: criteria provided, multiple submitters, no conflicts (2 of 4 stars). 4 submissions from 4 submitters: Uncertain significance (4). Last evaluated 2025-08-19.

Conditions:
Hereditary cancer-predisposing syndrome. Also called: Hereditary neoplastic syndrome; Neoplastic Syndromes, Hereditary; Tumor predisposition; Hereditary Cancer Syndrome. Identifiers: Orphanet 140162, MedGen C0027672, MeSH D009386, MONDO:0015356.
Tuberous sclerosis 2 (TSC2). Identifiers: Orphanet 805, MedGen C1860707, MONDO:0013199, OMIM 613254.

Submissions (4):

Labcorp Genetics (formerly Invitae), Labcorp
Classification: Uncertain significance for Tuberous sclerosis 2. Last evaluated: 2025-08-19. Review status: criteria provided, single submitter. Criteria: Invitae Variant Classification Sherloc (09022015). Collection method: clinical testing. Allele origin: germline.
Comment: This sequence change replaces leucine, which is neutral and non-polar, with proline, which is neutral and non-polar, at codon 947 of the TSC2 protein (p.Leu947Pro). This variant is not present in population databases (gnomAD no frequency). This variant has not been reported in the literature in individuals affected with TSC2-related conditions. ClinVar contains an entry for this variant (Variation ID: 467974). An algorithm developed to predict the effect of missense changes on protein structure and function (PolyPhen-2) suggests that this variant is likely to be disruptive. In summary, the available evidence is currently insufficient to determine the role of this variant in disease. Therefore, it has been classified as a Variant of Uncertain Significance.

Ambry Genetics
Classification: Uncertain significance for Hereditary cancer-predisposing syndrome. Last evaluated: 2025-06-16. Review status: criteria provided, single submitter. Criteria: Ambry Variant Classification Scheme 2023. Collection method: clinical testing. Allele origin: germline.
Comment: The p.L947P variant (also known as c.2840T>C), located in coding exon 25 of the TSC2 gene, results from a T to C substitution at nucleotide position 2840. The leucine at codon 947 is replaced by proline, an amino acid with similar properties. This amino acid position is well conserved in available vertebrate species. In addition, this alteration is predicted to be deleterious by in silico analysis. Since supporting evidence is limited at this time, the clinical significance of this alteration remains unclear.

Genome-Nilou Lab
Classification: Uncertain significance for Tuberous sclerosis 2. Last evaluated: 2021-11-07. Review status: criteria provided, single submitter. Criteria: ACMG Guidelines, 2015. Collection method: clinical testing. Allele origin: germline. Affected: no.

GeneDx
Classification: Uncertain significance. Last evaluated: 2020-06-16. Review status: criteria provided, single submitter. Criteria: GeneDx Variant Classification Process June 2021. Collection method: clinical testing. Allele origin: germline. Affected: yes.
Comment: Not observed in large population cohorts (Lek et al., 2016); In silico analysis, which includes protein predictors and evolutionary conservation, supports that this variant does not alter protein structure/function; Has not been previously published as pathogenic or benign to our knowledge